The following is an entry in ClinVar:

ClinVar aggregate classification (germline): Pathogenic (1 of 4 stars; one submission).

Submission:

Labcorp Genetics (formerly Invitae), Labcorp
Classification: Pathogenic. Last evaluated: 2023-04-09. Review status: criteria provided, single submitter. Criteria: Invitae Variant Classification Sherloc (09022015). Collection method: clinical testing. Allele origin: germline.
Comment: For these reasons, this variant has been classified as Pathogenic. This variant has not been reported in the literature in individuals affected with ZEB1-related conditions. This variant is not present in population databases (gnomAD no frequency). This sequence change creates a premature translational stop signal (p.Lys657*) in the ZEB1 gene. It is expected to result in an absent or disrupted protein product. Loss-of-function variants in ZEB1 are known to be pathogenic (PMID: 16252232, 17935237, 30851240).

Literature cited by the submitters: PubMed 16252232; PubMed 17935237; PubMed 30851240.

NM_001174096.2(ZEB1):c.1972A>T (p.Lys658Ter)

Gene: ZEB1 (zinc finger E-box binding homeobox 1; plus strand). Cytogenetic location: 10p11.22.
Variant type: single nucleotide variant.
Coding change: c.1972A>T on transcript NM_001174096.2 (MANE Select); coding-DNA position 1972, A replaced by T.
Protein change: p.Lys658Ter; replaces lysine 658 with a stop codon.
Molecular consequence: nonsense.
Genome position (GRCh38, 1-based): chr10:31,521,304, A>T. VCF-style: chr10-31521304-A-T. GRCh37 (hg19) VCF-style: chr10-31810232-A-T.
Other names: c.1918A>T, p.Lys640Ter (NM_001174094.2); c.1768A>T, p.Lys590Ter (NM_001174095.2); c.1315A>T, p.Lys439Ter (NM_001323638.2, NM_001323641.2, NM_001323642.2 and 27 more transcripts); c.1969A>T, p.Lys657Ter (NM_030751.6); c.1921A>T, p.Lys641Ter (NM_001128128.3); c.1909A>T, p.Lys637Ter (NM_001174093.2); c.1747A>T, p.Lys583Ter (NM_001323674.2); c.1705A>T, p.Lys569Ter (NM_001323675.2); and 3 more; short protein forms K439*, K583*, K590*, K643*, K566*, K637*, K644*, K657*.
Identifiers: ClinVar variation 2853981 (VCV002853981.3), dbSNP rs774973367, ClinGen allele CA376448991.